The following is an entry in ClinVar:

ClinVar aggregate classification (germline): Uncertain significance (1 of 4 stars; one submission).

gnomAD v4.1: 21 of 1,614,114 alleles (0.0013%); highest among the groups gnomAD compares: South Asian, 0.0022%; no homozygotes.

Submission:

Quest Diagnostics Nichols Institute San Juan Capistrano
Classification: Uncertain significance. Last evaluated: 2025-03-24. Review status: criteria provided, single submitter. Criteria: Quest Diagnostics criteria. Collection method: clinical testing. Allele origin: unknown.
Comment: The VWF c.126C>T (p.Phe42=) synonymous variant has not been reported in individuals with VWF-related conditions in the published literature. The frequency of this variant in the general population (Genome Aggregation Database) is uninformative in the assessment of its pathogenicity. Analysis of this variant using software algorithms for the prediction of the effect of nucleotide changes on splicing yielded predictions that this variant does not affect VWF mRNA splicing. Based on the available information, we are unable to determine the clinical significance of this variant.

NM_000552.5(VWF):c.126C>T (p.Phe42=)

Gene: VWF (von Willebrand factor; minus strand). Cytogenetic location: 12p13.31.
Variant type: single nucleotide variant.
Coding change: c.126C>T on transcript NM_000552.5 (MANE Select); coding-DNA position 126, C replaced by T.
Protein change: p.Phe42=; no amino-acid change (phenylalanine 42 retained).
Molecular consequence: synonymous variant.
Genome position (GRCh38, 1-based): chr12:6,121,268, G>A on the plus strand (C>T on the coding strand, the complement: VWF is on the minus strand). VCF-style: chr12-6121268-G-A. GRCh37 (hg19) VCF-style: chr12-6230434-G-A.
Identifiers: ClinVar variation 4532991 (VCV004532991.1).